The following is an entry in ClinVar:

ClinVar aggregate classification (germline): Uncertain significance (1 of 4 stars; one submission).

Submission:

GeneDx
Classification: Uncertain significance. Last evaluated: 2026-01-22. Review status: criteria provided, single submitter. Criteria: GeneDx Variant Classification Process June 2021. Collection method: clinical testing. Allele origin: germline.
Comment: Not observed at significant frequency in large population cohorts (gnomAD); In silico analysis supports that this missense variant has a deleterious effect on protein structure/function; Has not been previously published as pathogenic or benign to our knowledge

NM_001287491.2(TET3):c.3305G>A (p.Gly1102Asp)

Gene: TET3 (tet methylcytosine dioxygenase 3; plus strand). Cytogenetic location: 2p13.1.
Variant type: single nucleotide variant.
Coding change: c.3305G>A on transcript NM_001287491.2 (MANE Select); coding-DNA position 3305, G replaced by A.
Protein change: p.Gly1102Asp; replaces glycine 1102 with aspartic acid.
Molecular consequence: missense variant.
Genome position (GRCh38, 1-based): chr2:74,099,313, G>A. VCF-style: chr2-74099313-G-A. GRCh37 (hg19) VCF-style: chr2-74326440-G-A.
Other names: c.3026G>A, p.Gly1009Asp (NM_001366022.1); short protein forms G1009D, G1102D.
Identifiers: ClinVar variation 4975544 (VCV004975544.1).